The following is an entry in ClinVar:

ClinVar aggregate classification (germline): Uncertain significance. Review status: criteria provided, multiple submitters, no conflicts (2 of 4 stars). 3 submissions from 3 submitters: Uncertain significance (3). Last evaluated 2026-03-23.

Conditions:
Inborn genetic diseases. Identifiers: MedGen C0950123, MeSH D030342.
POLG-related disorder. Also called: POLG-Related Spectrum Disorders; POLG-related condition; POLG-Related Disorders. Identifiers: MedGen C4763519.

Allele frequency attached by ClinVar (database versions not stated): TOPMed below 0.00001; gnomAD 0.00001; gnomAD exomes 0.00001; ExAC 0.00002.
gnomAD v4.1: 10 of 1,613,770 alleles (0.00062%); highest among the groups gnomAD compares: South Asian, 0.0033%; no homozygotes.

Submissions (3):

PreventionGenetics, part of Exact Sciences
Classification: Uncertain significance for POLG-related condition. Last evaluated: 2026-03-23. Review status: criteria provided, single submitter. Criteria: ACMG Guidelines, 2015. Collection method: clinical testing. Allele origin: germline.
Comment: The POLG c.2197C>T variant is predicted to result in the amino acid substitution p.His733Tyr. To our knowledge, this variant has not been reported in the literature. This variant is reported in 0.0033% of alleles in individuals of South Asian descent in gnomAD. At this time, the clinical significance of this variant is uncertain due to the absence of conclusive functional and genetic evidence.

GeneDx
Classification: Uncertain significance. Last evaluated: 2019-06-14. Review status: criteria provided, single submitter. Criteria: GeneDx Variant Classification Process June 2021. Collection method: clinical testing. Allele origin: germline. Affected: yes.
Comment: Not observed at a significant frequency in large population cohorts (Lek et al., 2016); In silico analysis, which includes protein predictors and evolutionary conservation, supports that this variant does not alter protein structure/function; Has not been previously published as pathogenic or benign to our knowledge

Ambry Genetics
Classification: Uncertain significance for Inborn genetic diseases. Last evaluated: 2016-11-23. Review status: criteria provided, single submitter. Criteria: Ambry Variant Classification Scheme 2023. Collection method: clinical testing. Allele origin: germline.
Comment: The p.H733Y variant (also known as c.2197C>T), located in coding exon 12 of the POLG gene, results from a C to T substitution at nucleotide position 2197. The histidine at codon 733 is replaced by tyrosine, an amino acid with similar properties. This amino acid position is highly conserved in available vertebrate species. In addition, this alteration is predicted to be deleterious by in silico analysis. Since supporting evidence is limited at this time, the clinical significance of this variant remains unclear.

NM_002693.3(POLG):c.2197C>T (p.His733Tyr)

Gene: POLG (DNA polymerase gamma, catalytic subunit; minus strand). Cytogenetic location: 15q26.1.
Variant type: single nucleotide variant.
Coding change: c.2197C>T on transcript NM_002693.3 (MANE Select); coding-DNA position 2197, C replaced by T.
Protein change: p.His733Tyr; replaces histidine 733 with tyrosine.
Molecular consequence: missense variant.
Genome position (GRCh38, 1-based): chr15:89,323,472, G>A on the plus strand (C>T on the coding strand, the complement: POLG is on the minus strand). VCF-style: chr15-89323472-G-A. GRCh37 (hg19) VCF-style: chr15-89866703-G-A.
Other names: c.2197C>T, p.His733Tyr (NM_001126131.2); short protein forms H733Y.
Identifiers: ClinVar variation 589968 (VCV000589968.8), dbSNP rs780723692, ClinGen allele CA7724549.
Genomic context (GRCh38, chr15:89,323,472, plus strand): 5'-GCAGCTTGAAAAACCAGCAGCCAGGGATGTCCACGTCGTTGTAAGGTCCATTGCCATGGT[G>A]ATAGCTGGGCTGGGTGTCCTTGGGGCCACCACGGGCAGTCTGTGAGGGCCACACACCTAT-3'
Protein context (NP_002684.1, residues 723-743): GGPKDTQPSY[His733Tyr]HGNGPYNDVD